The following is an entry in ClinVar:

ClinVar aggregate classification (germline): Uncertain significance (1 of 4 stars; one submission).

Conditions:
Hyperimmunoglobulin D with periodic fever (HIDS). Also called: HYPERIMMUNOGLOBULINEMIA D AND PERIODIC FEVER SYNDROME; Hyperimmunoglobulinemia D with periodic fever; Hyperimmunoglobulinemia D. Identifiers: Orphanet 343, MedGen C0398691, MONDO:0009849, OMIM 260920.
Mevalonic aciduria (MEVA). Identifiers: Orphanet 29, MedGen C1959626, MONDO:0012481, OMIM 610377.
Porokeratosis 3, disseminated superficial actinic type (POROK3). Also called: POROKERATOSIS, DISSEMINATED SUPERFICIAL ACTINIC, 1; POROKERATOSIS 3, MULTIPLE TYPES; POROKERATOSIS 3, MIBELLI TYPE. Identifiers: MedGen C1867981, MONDO:0008293, OMIM 175900.

Submission:

Labcorp Genetics (formerly Invitae), Labcorp
Classification: Uncertain significance for Mevalonic aciduria; Hyperimmunoglobulin D with periodic fever; Porokeratosis 3, disseminated superficial actinic type. Last evaluated: 2019-07-12. Review status: criteria provided, single submitter. Criteria: Invitae Variant Classification Sherloc (09022015). Collection method: clinical testing. Allele origin: germline.
Comment: This sequence change falls in intron 4 of the MVK gene. It does not directly change the encoded amino acid sequence of the MVK protein, but it affects a nucleotide within the consensus splice site of the intron. This variant is not present in population databases (ExAC no frequency). This variant has not been reported in the literature in individuals with MVK-related conditions. Nucleotide substitutions within the consensus splice site are a relatively common cause of aberrant splicing (PMID: 17576681, 9536098). Algorithms developed to predict the effect of sequence changes on RNA splicing suggest that this variant is not likely to affect RNA splicing, but this prediction has not been confirmed by published transcriptional studies. In summary, the available evidence is currently insufficient to determine the role of this variant in disease. Therefore, it has been classified as a Variant of Uncertain Significance.

NM_000431.4(MVK):c.371+4T>C

Gene: MVK (mevalonate kinase; plus strand). Cytogenetic location: 12q24.11.
Variant type: single nucleotide variant.
Coding change: c.371+4T>C on transcript NM_000431.4 (MANE Select); 4 bases into the intron after coding-DNA position 371, T replaced by C.
Molecular consequence: intron variant.
Genome position (GRCh38, 1-based): chr12:109,579,950, T>C. VCF-style: chr12-109579950-T-C. GRCh37 (hg19) VCF-style: chr12-110017755-T-C.
Other names: c.371+4T>C (NM_001301182.2, NM_001114185.3).
Identifiers: ClinVar variation 944766 (VCV000944766.1), dbSNP rs1885141606, ClinGen allele CA1139662878.